The following is an entry in ClinVar:

NM_000492.4(CFTR):c.2435T>G (p.Leu812Ter)

Gene: CFTR (CF transmembrane conductance regulator; plus strand). Cytogenetic location: 7q31.2.
Variant type: single nucleotide variant.
Coding change: c.2435T>G on transcript NM_000492.4 (MANE Select); coding-DNA position 2435, T replaced by G.
Protein change: p.Leu812Ter; replaces leucine 812 with a stop codon.
Molecular consequence: nonsense.
Genome position (GRCh38, 1-based): chr7:117,592,602, T>G. VCF-style: chr7-117592602-T-G. GRCh37 (hg19) VCF-style: chr7-117232656-T-G.
Other names: short protein forms L812*.
Identifiers: ClinVar variation 4818502 (VCV004818502.1).

ClinVar aggregate classification (germline): Likely pathogenic (1 of 4 stars; one submission).

Conditions:
CFTR-related disorder (CFTR-RD). Also called: CFTR-related disorders; CFTR-related condition. Identifiers: MedGen C5924204, MONDO:7770004.

Submission:

Natera, Inc.
Classification: Likely pathogenic for CFTR-related disorders. Last evaluated: 2025-10-02. Review status: criteria provided, single submitter. Criteria: Natera Variant Classification Schema (03/2026). Collection method: clinical testing. Allele origin: germline.
Comment: The c.2435T>G variant in CFTR is a nonsense variant predicted to introduce a stop codon at amino acid 812. This variant is expected to result in nonsense mediated decay, truncation, or a dysfunctional protein product. This variant is rare in the general population with a frequency below the threshold expected for the associated phenotype(s). Given the available evidence, this variant is classified as Likely Pathogenic.